The following is an entry in ClinVar:

ClinVar aggregate classification (germline): Uncertain significance (1 of 4 stars; one submission).

Conditions:
Tuberous sclerosis 1 (TSC1). Identifiers: Orphanet 805, MedGen C1854465, MONDO:0008612, OMIM 191100.

Submission:

Labcorp Genetics (formerly Invitae), Labcorp
Classification: Uncertain significance for Tuberous sclerosis 1. Last evaluated: 2021-11-25. Review status: criteria provided, single submitter. Criteria: Invitae Variant Classification Sherloc (09022015). Collection method: clinical testing. Allele origin: germline.
Comment: In summary, the available evidence is currently insufficient to determine the role of this variant in disease. Therefore, it has been classified as a Variant of Uncertain Significance. Algorithms developed to predict the effect of missense changes on protein structure and function (SIFT, PolyPhen-2, Align-GVGD) all suggest that this variant is likely to be tolerated. This sequence change replaces leucine, which is neutral and non-polar, with methionine, which is neutral and non-polar, at codon 317 of the TSC1 protein (p.Leu317Met). This variant is not present in population databases (gnomAD no frequency). This variant has not been reported in the literature in individuals affected with TSC1-related conditions.

NM_000368.5(TSC1):c.949C>A (p.Leu317Met)

Gene: TSC1 (TSC complex subunit 1; minus strand). Cytogenetic location: 9q34.13.
Variant type: single nucleotide variant.
Coding change: c.949C>A on transcript NM_000368.5 (MANE Select); coding-DNA position 949, C replaced by A.
Protein change: p.Leu317Met; replaces leucine 317 with methionine.
Molecular consequence: missense variant.
Genome position (GRCh38, 1-based): chr9:132,911,533, G>T on the plus strand (C>A on the coding strand, the complement: TSC1 is on the minus strand). VCF-style: chr9-132911533-G-T. GRCh37 (hg19) VCF-style: chr9-135786920-G-T.
Other names: c.949C>A, p.Leu317Met (NM_001162426.2); c.796C>A, p.Leu266Met (NM_001162427.2); c.586C>A, p.Leu196Met (NM_001362177.2); short protein forms L317M, L196M, L266M.
Identifiers: ClinVar variation 1395046 (VCV001395046.6), dbSNP rs1588324686, ClinGen allele CA375368700.
Genomic context (GRCh38, chr9:132,911,533, plus strand): 5'-GCCGTGTCGATGGGGAACTCAGAGTCTGAGGTAGCTGCCCTGGCATATTTAACAACATCA[G>T]CCGAGACGTGGAGTAAGGGGTAGAAGTAGCACACCCTAAAATGGAAGAGAAGAACACAGG-3'
Protein context (NP_000359.1, residues 307-327): ATSTPYSTSR[Leu317Met]MLLNMPGQLP